The following is an entry in ClinVar:

ClinVar aggregate classification (germline): Pathogenic (0 of 4 stars; one submission).

Conditions:
Intellectual developmental disorder, X-linked 99, syndromic, female-restricted. Also called: Intellectual disability, X-linked 99, syndromic, female-restricted. Identifiers: MedGen C4225416, MONDO:0010502, OMIM 300968.

Submission:

Clinical Genomics Laboratory, Stanford Medicine
Classification: Pathogenic for Intellectual developmental disorder, X-linked 99, syndromic, female-restricted. Last evaluated: 2021-01-27. Review status: no assertion criteria provided. Collection method: clinical testing. Allele origin: germline. Inheritance: X-linked inheritance. Affected: yes. Observed: 1 heterozygote.
Comment: This variant was absent from large population databases, including the Genome Aggregation Database. The p.Leu1379Lysfs*5 variant leads to a premature stop codon in exon 28 of 45 coding exons, and is therefore predicted to undergo nonsense-mediated decay resulting in a truncated or absent protein. Heterozygous loss of function in females is an established mechanism of disease for the USP9X gene. These data were assessed using the ACMG/AMP variant interpretation guidelines. In summary, there is sufficient evidence to classify the p.Leu1379Lysfs*5 variant as pathogenic for X-linked USP9X-related neurodevelopmental disorder based on the information above. [ACMG evidence codes used: PVS1; PS2_Moderate; PM2]

NM_001039591.3(USP9X):c.4135_4136del (p.Leu1379fs)

Gene: USP9X (ubiquitin specific peptidase 9 X-linked; plus strand). Cytogenetic location: Xp11.4.
Variant type: Deletion.
Coding change: c.4135_4136del on transcript NM_001039591.3 (MANE Select); coding-DNA positions 4135 to 4136, 2 bases deleted (TT; older notation c.4135_4136delTT).
Protein change: p.Leu1379fs; shifts the reading frame from leucine 1379.
Molecular consequence: frameshift variant.
Genome position (GRCh38, 1-based): chrX:41,196,640-41,196,641, TT deleted; deleting any 2 consecutive bases within chrX:41,196,638-41,196,641 gives the same sequence; the c. name uses the placement nearest the transcript's 3' end. VCF-style (leftmost placement, unchanged base first): chrX-41196637-CTT-C. GRCh37 (hg19) VCF-style: chrX-41055890-CTT-C.
Other names: p.Leu1379Lysfs*5; c.4135_4136del, p.Leu1379fs (NM_001039590.3); c.4150_4151del, p.Leu1384fs (NM_001410748.1, NM_001410749.1); short protein forms L1379fs, L1384fs.
Identifiers: ClinVar variation 2628099 (VCV002628099.1), dbSNP rs2519307322, ClinGen allele CA2695200175.